The following is an entry in ClinVar:

ClinVar aggregate classification (germline): Uncertain significance. Review status: criteria provided, multiple submitters, no conflicts (2 of 4 stars). 3 submissions from 3 submitters: Uncertain significance (3). Last evaluated 2024-09-24.

Conditions:
Inborn genetic diseases. Identifiers: MedGen C0950123, MeSH D030342.
Progressive myoclonic epilepsy. Also called: Myoclonic Epilepsies, Progressive; Myoclonus epilepsy; Familial progressive myoclonic epilepsy; Progressive myoclonus epilepsy. Identifiers: Orphanet 308, Orphanet 98261, MedGen C0751778, MONDO:0020074.
Action myoclonus-renal failure syndrome. Also called: MYOCLONUS-NEPHROPATHY SYNDROME; SCARB2-Related Action Myoclonus-Renal Failure Syndrome; EPILEPSY, PROGRESSIVE MYOCLONIC, 4, WITH RENAL FAILURE; EPILEPSY, PROGRESSIVE MYOCLONIC, 4, WITHOUT RENAL FAILURE. Identifiers: Orphanet 163696, MedGen C0751779, MeSH D020191, MONDO:0009699, OMIM 254900.

Allele frequency attached by ClinVar (database versions not stated): ExAC 0.00001; gnomAD 0.00001; TOPMed 0.00001; gnomAD exomes 0.00002.
gnomAD v4.1: 14 of 1,613,882 alleles (0.00087%); highest among the groups gnomAD compares: South Asian, 0.0033%; no homozygotes.

Submissions (3):

Ambry Genetics
Classification: Uncertain significance for Inborn genetic diseases. Last evaluated: 2024-09-24. Review status: criteria provided, single submitter. Criteria: Ambry Variant Classification Scheme 2023. Collection method: clinical testing. Allele origin: germline.

Fulgent Genetics
Classification: Uncertain significance for Action myoclonus-renal failure syndrome. Last evaluated: 2024-05-24. Review status: criteria provided, single submitter. Criteria: ACMG Guidelines, 2015. Collection method: clinical testing. Allele origin: germline.

Labcorp Genetics (formerly Invitae), Labcorp
Classification: Uncertain significance for Progressive myoclonic epilepsy. Last evaluated: 2022-09-07. Review status: criteria provided, single submitter. Criteria: Invitae Variant Classification Sherloc (09022015). Collection method: clinical testing. Allele origin: germline.
Comment: This sequence change replaces aspartic acid, which is acidic and polar, with glutamic acid, which is acidic and polar, at codon 272 of the SCARB2 protein (p.Asp272Glu). This variant is present in population databases (rs370666555, gnomAD 0.01%). This variant has not been reported in the literature in individuals affected with SCARB2-related conditions. ClinVar contains an entry for this variant (Variation ID: 1016299). Algorithms developed to predict the effect of missense changes on protein structure and function output the following: SIFT: "Tolerated"; PolyPhen-2: "Benign"; Align-GVGD: "Class C0". The glutamic acid amino acid residue is found in multiple mammalian species, which suggests that this missense change does not adversely affect protein function. In summary, the available evidence is currently insufficient to determine the role of this variant in disease. Therefore, it has been classified as a Variant of Uncertain Significance.

NM_005506.4(SCARB2):c.816C>G (p.Asp272Glu)

Gene: SCARB2 (scavenger receptor class B member 2; minus strand). Cytogenetic location: 4q21.1.
Variant type: single nucleotide variant.
Coding change: c.816C>G on transcript NM_005506.4 (MANE Select); coding-DNA position 816, C replaced by G.
Protein change: p.Asp272Glu; replaces aspartic acid 272 with glutamic acid.
Molecular consequence: missense variant.
Genome position (GRCh38, 1-based): chr4:76,175,799, G>C on the plus strand (C>G on the coding strand, the complement: SCARB2 is on the minus strand). VCF-style: chr4-76175799-G-C. GRCh37 (hg19) VCF-style: chr4-77096952-G-C.
Other names: c.387C>G, p.Asp129Glu (NM_001204255.2); short protein forms D129E, D272E.
Identifiers: ClinVar variation 1016299 (VCV001016299.9), dbSNP rs370666555, ClinGen allele CA2970262.